The following is an entry in ClinVar:

NM_001113491.2(SEPTIN9):c.220T>C (p.Ser74Pro)

Gene: SEPTIN9 (septin 9; plus strand). Cytogenetic location: 17q25.3.
Variant type: single nucleotide variant.
Coding change: c.220T>C on transcript NM_001113491.2 (MANE Select); coding-DNA position 220, T replaced by C.
Protein change: p.Ser74Pro; replaces serine 74 with proline.
Molecular consequence: missense variant. On other transcripts: 5 prime UTR variant (2).
Genome position (GRCh38, 1-based): chr17:77,402,202, T>C. VCF-style: chr17-77402202-T-C. GRCh37 (hg19) VCF-style: chr17-75398284-T-C.
Other names: c.-273T>C (NM_001113492.2, NM_001113494.1); c.199T>C, p.Ser67Pro (NM_001113493.2); c.163T>C, p.Ser55Pro (NM_001293695.2); c.166T>C, p.Ser56Pro (NM_006640.5); short protein forms S55P, S56P, S67P, S74P.
Identifiers: ClinVar variation 1682580 (VCV001682580.5), dbSNP rs2144098553, ClinGen allele CA401205737.

ClinVar aggregate classification (germline): Uncertain significance (1 of 4 stars; one submission).

Allele frequency attached by ClinVar (database versions not stated): gnomAD exomes below 0.00001.
gnomAD v4.1: 1 of 1,613,374 alleles (0.000062%); highest among the groups gnomAD compares: Non-Finnish European, 0.000085%; no homozygotes.

Submission:

Labcorp Genetics (formerly Invitae), Labcorp
Classification: Uncertain significance. Last evaluated: 2025-07-14. Review status: criteria provided, single submitter. Criteria: Invitae Variant Classification Sherloc (09022015). Collection method: clinical testing. Allele origin: germline.
Comment: This sequence change replaces serine, which is neutral and polar, with proline, which is neutral and non-polar, at codon 56 of the SEPT9 protein (p.Ser56Pro). This variant is not present in population databases (gnomAD no frequency). This variant has not been reported in the literature in individuals affected with SEPT9-related conditions. ClinVar contains an entry for this variant (Variation ID: 1682580). Invitae Evidence Modeling of protein sequence and biophysical properties (such as structural, functional, and spatial information, amino acid conservation, physicochemical variation, residue mobility, and thermodynamic stability) indicates that this missense variant is not expected to disrupt SEPT9 protein function with a negative predictive value of 80%. In summary, the available evidence is currently insufficient to determine the role of this variant in disease. Therefore, it has been classified as a Variant of Uncertain Significance.